The following is an entry in ClinVar:

NM_005876.5(SPEG):c.331C>T (p.Gln111Ter)

Gene: SPEG (striated muscle enriched protein kinase; plus strand). Cytogenetic location: 2q35.
Variant type: single nucleotide variant.
Coding change: c.331C>T on transcript NM_005876.5 (MANE Select); coding-DNA position 331, C replaced by T.
Protein change: p.Gln111Ter; replaces glutamine 111 with a stop codon.
Molecular consequence: nonsense.
Genome position (GRCh38, 1-based): chr2:219,435,308, C>T. VCF-style: chr2-219435308-C-T. GRCh37 (hg19) VCF-style: chr2-220300030-C-T.
Other names: short protein forms Q111*.
Identifiers: ClinVar variation 4805226 (VCV004805226.1), dbSNP rs1277011664.

ClinVar aggregate classification (germline): Pathogenic (1 of 4 stars; one submission).

Submission:

Labcorp Genetics (formerly Invitae), Labcorp
Classification: Pathogenic. Last evaluated: 2025-09-03. Review status: criteria provided, single submitter. Criteria: Invitae Variant Classification Sherloc (09022015). Collection method: clinical testing. Allele origin: germline.
Comment: This sequence change creates a premature translational stop signal (p.Gln111*) in the SPEG gene. It is expected to result in an absent or disrupted protein product. Loss-of-function variants in SPEG are known to be pathogenic (PMID: 19118250, 25087613). The frequency data for this variant in the population databases is considered unreliable, as metrics indicate poor data quality at this position in the gnomAD database. This variant has not been reported in the literature in individuals affected with SPEG-related conditions. For these reasons, this variant has been classified as Pathogenic.

Literature cited by the submitters: PubMed 19118250; PubMed 25087613.